The following is an entry in ClinVar:

NM_001379451.1(BCORL1):c.4824G>A (p.Met1608Ile)

Gene: BCORL1 (BCL6 corepressor like 1; plus strand). Cytogenetic location: Xq26.1.
Variant type: single nucleotide variant.
Coding change: c.4824G>A on transcript NM_001379451.1 (MANE Select); coding-DNA position 4824, G replaced by A.
Protein change: p.Met1608Ile; replaces methionine 1608 with isoleucine.
Molecular consequence: missense variant.
Genome position (GRCh38, 1-based): chrX:130,039,266, G>A. VCF-style: chrX-130039266-G-A. GRCh37 (hg19) VCF-style: chrX-129173241-G-A.
Other names: c.4602G>A, p.Met1534Ile (NM_021946.5); c.4824G>A, p.Met1608Ile (NM_001441326.1, NM_001441327.1, NM_001441328.1 and 2 more transcripts); c.4434G>A, p.Met1478Ile (NM_001441329.1, NM_001441330.1, NM_001441331.1 and 1 more transcripts); short protein forms M1478I, M1534I, M1608I.
Identifiers: ClinVar variation 4875241 (VCV004875241.2).
Genomic context (GRCh38, chrX:130,039,266, plus strand): 5'-TCCCACACTGGCTACCTACTCGGGTCAGACAGCCATGAAGCTGGCCAGCAGCGACACCAT[G>A]AAGCGCTTTCTCAGTGGTAAGCATGGTCCAGACTTGACACTGTTGTCCTTGGGGCCAGCC-3'
Protein context (NP_001366380.1, residues 1598-1618): TAMKLASSDT[Met1608Ile]KRFLSDHLSD

ClinVar aggregate classification (germline): Uncertain significance (1 of 4 stars; one submission).

Submission:

CeGaT Center for Human Genetics Tuebingen
Classification: Uncertain significance. Last evaluated: 2026-06-01. Review status: criteria provided, single submitter. Criteria: CeGaT Center For Human Genetics Tuebingen Variant Classification Criteria Version 2. Collection method: clinical testing. Allele origin: germline. Affected: yes. Observed: 1 variant allele.
Comment: BCORL1: PM2